The following is an entry in ClinVar:

NM_152564.5(VPS13B):c.1391A>C (p.Lys464Thr)

Gene: VPS13B (vacuolar protein sorting 13 homolog B; plus strand). Cytogenetic location: 8q22.2.
Variant type: single nucleotide variant.
Coding change: c.1391A>C on transcript NM_152564.5 (MANE Select); coding-DNA position 1391, A replaced by C.
Protein change: p.Lys464Thr; replaces lysine 464 with threonine.
Molecular consequence: missense variant.
Genome position (GRCh38, 1-based): chr8:99,135,103, A>C. VCF-style: chr8-99135103-A-C. GRCh37 (hg19) VCF-style: chr8-100147331-A-C.
Other names: c.1391A>C (NM_017890.3, NM_152564.4); c.1391A>C, p.Lys464Thr (NM_015243.3, NM_017890.5); short protein forms K464T.
Identifiers: ClinVar variation 847426 (VCV000847426.11), dbSNP rs1431957435, ClinGen allele CA371862989.
Genomic context (GRCh38, chr8:99,135,103, plus strand): 5'-ATTGCCAGATTGGGTTTGTTGGTTGCAGAGCCATGTGCCTTAAAGGAATTATGGGTGTTA[A>C]AGATTTTGAAGAGAATATGAATAGAAGTGAAACTGTAAGTCCGTTTCCTCCATCCTTTTT-3'
Protein context (NP_689777.3, residues 454-474): AMCLKGIMGV[Lys464Thr]DFEENMNRSE

ClinVar aggregate classification (germline): Uncertain significance. Review status: criteria provided, multiple submitters, no conflicts (2 of 4 stars). 5 submissions from 5 submitters: Uncertain significance (4). 1 of the submissions does not count toward it. Last evaluated 2026-09-11.

Conditions:
Inborn genetic diseases. Identifiers: MedGen C0950123, MeSH D030342.
Cohen syndrome (COH1). Also called: PEPPER SYNDROME; Cutis verticis gyrata, retinitis pigmentosa, and sensorineural deafness. Identifiers: Orphanet 193, MedGen C0265223, MONDO:0008999, OMIM 216550.
VPS13B-related disorder. Also called: VPS13B-related condition.

Allele frequency attached by ClinVar (database versions not stated): gnomAD 0.00001; gnomAD exomes 0.00001; TOPMed 0.00003.
gnomAD v4.1: 9 of 1,613,412 alleles (0.00056%); highest among the groups gnomAD compares: Admixed American, 0.015%; no homozygotes.

Submissions (5):

PreventionGenetics, part of Exact Sciences
Classification: Uncertain significance for VPS13B-related condition. Last evaluated: 2026-09-11. Review status: criteria provided, single submitter. Criteria: ACMG Guidelines, 2015. Collection method: clinical testing. Allele origin: germline.
Comment: The VPS13B c.1391A>C variant is predicted to result in the amino acid substitution p.Lys464Thr. To our knowledge, this variant has not been reported in the literature. This variant is reported in 0.0087% of alleles in individuals of Latino descent in gnomAD. At this time, the clinical significance of this variant is uncertain due to the absence of conclusive functional and genetic evidence.

Blueprint Genetics
Classification: Uncertain significance. Last evaluated: 2022-11-18. Review status: criteria provided, single submitter. Criteria: ACMG Guidelines, 2015. Collection method: clinical testing. Allele origin: germline.

Labcorp Genetics (formerly Invitae), Labcorp
Classification: Uncertain significance for Cohen syndrome. Last evaluated: 2022-10-27. Review status: criteria provided, single submitter. Criteria: Invitae Variant Classification Sherloc (09022015). Collection method: clinical testing. Allele origin: germline.
Comment: This sequence change replaces lysine, which is basic and polar, with threonine, which is neutral and polar, at codon 464 of the VPS13B protein (p.Lys464Thr). This variant is present in population databases (no rsID available, gnomAD 0.01%). This variant has not been reported in the literature in individuals affected with VPS13B-related conditions. ClinVar contains an entry for this variant (Variation ID: 847426). Advanced modeling of protein sequence and biophysical properties (such as structural, functional, and spatial information, amino acid conservation, physicochemical variation, residue mobility, and thermodynamic stability) performed at Invitae indicates that this missense variant is not expected to disrupt VPS13B protein function. In summary, the available evidence is currently insufficient to determine the role of this variant in disease. Therefore, it has been classified as a Variant of Uncertain Significance.

Ambry Genetics
Classification: Uncertain significance for Inborn genetic diseases. Last evaluated: 2019-03-26. Review status: criteria provided, single submitter. Criteria: Ambry Variant Classification Scheme 2023. Collection method: clinical testing. Allele origin: germline.
Comment: The p.K464T variant (also known as c.1391A>C), located in coding exon 9 of the VPS13B gene, results from an A to C substitution at nucleotide position 1391. The lysine at codon 464 is replaced by threonine, an amino acid with similar properties. This amino acid position is not well conserved in available vertebrate species. In addition, this alteration is predicted to be tolerated by in silico analysis. Since supporting evidence is limited at this time, the clinical significance of this alteration remains unclear.

Natera, Inc.
Classification: Uncertain significance for Cohen syndrome. Last evaluated: 2021-03-20. Review status: no assertion criteria provided. Collection method: clinical testing. Allele origin: germline. Not counted in ClinVar's aggregate classification.